The following is an entry in ClinVar:

ClinVar aggregate classification (germline): Pathogenic (1 of 4 stars; one submission).

Conditions:
Hereditary cancer-predisposing syndrome. Also called: Neoplastic Syndromes, Hereditary; Tumor predisposition; Hereditary Cancer Syndrome; Hereditary neoplastic syndrome. Identifiers: Orphanet 140162, MedGen C0027672, MeSH D009386, MONDO:0015356.

Submission:

Ambry Genetics
Classification: Pathogenic for Hereditary cancer-predisposing syndrome. Last evaluated: 2016-11-25. Review status: criteria provided, single submitter. Criteria: Ambry Variant Classification Scheme 2023. Collection method: clinical testing. Allele origin: germline.
Comment: The c.8725_8731delAAGAATG pathogenic mutation, located in coding exon 20 of the BRCA2 gene, results from a deletion of 7 nucleotides at nucleotide positions 8725 to 8731, causing a translational frameshift with a predicted alternate stop codon. This alteration is expected to result in loss of function by premature protein truncation or nonsense-mediated mRNA decay. As such, this alteration is interpreted as a disease-causing mutation.

NM_000059.4(BRCA2):c.8725_8731del (p.Lys2909fs)

Gene: BRCA2 (BRCA2 DNA repair associated; plus strand). Cytogenetic location: 13q13.1.
Variant type: Deletion.
Coding change: c.8725_8731del on transcript NM_000059.4 (MANE Select); coding-DNA positions 8725 to 8731, 7 bases deleted (AAGAATG; older notation c.8725_8731delAAGAATG).
Protein change: p.Lys2909fs; shifts the reading frame from lysine 2909.
Molecular consequence: frameshift variant.
Genome position (GRCh38, 1-based): chr13:32,376,762-32,376,768, AAGAATG deleted; deleting any 7 consecutive bases within chr13:32,376,760-32,376,768 gives the same sequence; the c. name uses the placement nearest the transcript's 3' end. VCF-style (leftmost placement, unchanged base first): chr13-32376759-GTGAAGAA-G. GRCh37 (hg19) VCF-style: chr13-32950896-GTGAAGAA-G.
Other names: c.8629_8635delAAGAATG, p.Lys2877Glnfs (NM_001406719.1); c.8725_8731delAAGAATG, p.Lys2909Glnfs (NM_001406720.1); c.3793_3799delAAGAATG, p.Lys1265Glnfs (NM_001406721.1); c.2308_2314delAAGAATG, p.Lys770Glnfs (NM_001406722.1); short protein forms K2909fs.
Identifiers: ClinVar variation 1764454 (VCV001764454.2), dbSNP rs2548553381, ClinGen allele CA2580087434.